The following is an entry in ClinVar:

ClinVar aggregate classification (germline): Pathogenic. Review status: reviewed by expert panel (3 of 4 stars). 5 submissions from 5 submitters: Pathogenic (1). 4 of the submissions do not count toward it. Last evaluated 2016-10-18.

Conditions:
Breast-ovarian cancer, familial, susceptibility to, 2 (BROVCA2). Also called: BRCA2 Hereditary Breast and Ovarian Cancer. Identifiers: Orphanet 145, MedGen C2675520, MONDO:0012933, OMIM 612555. Disease mechanism: loss of function.
Hereditary cancer-predisposing syndrome. Also called: Hereditary neoplastic syndrome; Neoplastic Syndromes, Hereditary; Tumor predisposition; Hereditary Cancer Syndrome. Identifiers: Orphanet 140162, MedGen C0027672, MeSH D009386, MONDO:0015356.
Hereditary breast ovarian cancer syndrome. Also called: BRCA1- and BRCA2-Associated Hereditary Breast and Ovarian Cancer; Hereditary breast and ovarian cancer; Breast and ovarian cancer; Hereditary breast and/or ovarian cancer syndrome; Hereditary breast and ovarian cancer syndrome; Hereditary breast and ovarian cancer syndrome (HBOC). Identifiers: Orphanet 145, MedGen C0677776, MeSH D061325, MONDO:0003582. Disease mechanism: loss of function.

Submissions (5):

Evidence-based Network for the Interpretation of Germline Mutant Alleles (ENIGMA)
Classification: Pathogenic for Breast-ovarian cancer, familial, susceptibility to, 2. Last evaluated: 2016-10-18. Review status: reviewed by expert panel. Criteria: ENIGMA BRCA1/2 Classification Criteria (2015). Collection method: curation. Allele origin: germline.
Comment: Variant allele predicted to encode a truncated non-functional protein.

Labcorp Genetics (formerly Invitae), Labcorp
Classification: Pathogenic for Hereditary breast ovarian cancer syndrome. Last evaluated: 2023-08-14. Review status: criteria provided, single submitter. Criteria: Invitae Variant Classification Sherloc (09022015). Collection method: clinical testing. Allele origin: germline. Not counted in ClinVar's aggregate classification.
Comment: This variant is not present in population databases (gnomAD no frequency). For these reasons, this variant has been classified as Pathogenic. ClinVar contains an entry for this variant (Variation ID: 267073). This premature translational stop signal has been observed in individual(s) with breast cancer (PMID: 20104584). This sequence change creates a premature translational stop signal (p.Lys2777Argfs*44) in the BRCA2 gene. It is expected to result in an absent or disrupted protein product. Loss-of-function variants in BRCA2 are known to be pathogenic (PMID: 20104584).

Color Diagnostics, LLC DBA Color Health
Classification: Pathogenic for Hereditary cancer-predisposing syndrome. Last evaluated: 2022-12-26. Review status: criteria provided, single submitter. Criteria: ACMG Guidelines, 2015. Collection method: clinical testing. Allele origin: germline. Not counted in ClinVar's aggregate classification.
Comment: This variant deletes 1 nucleotide in exon 18 of the BRCA2 gene, creating a frameshift and premature translation stop signal. This variant is expected to result in an absent or non-functional protein product. This variant has been reported in an individual affected with breast cancer and in a suspected hereditary breast and ovarian cancer family (PMID: 20104584, 29446198). This variant has not been identified in the general population by the Genome Aggregation Database (gnomAD). Loss of BRCA2 function is a known mechanism of disease. Based on the available evidence, this variant is classified as Pathogenic.

Ambry Genetics
Classification: Pathogenic for Hereditary cancer-predisposing syndrome. Last evaluated: 2022-12-20. Review status: criteria provided, single submitter. Criteria: Ambry Variant Classification Scheme 2023. Collection method: clinical testing. Allele origin: germline. Not counted in ClinVar's aggregate classification.
Comment: The c.8330delA pathogenic mutation, located in coding exon 17 of the BRCA2 gene, results from a deletion of one nucleotide at nucleotide position 8330, causing a translational frameshift with a predicted alternate stop codon (p.K2777Rfs*44). This mutation (designated as 8558delA) was detected in an Ashkenazi Jewish breast and/or ovarian cancer family (Shiri-Sverdlov R, Hum. Mutat. 2000 Dec; 16(6):491-501). This variant is considered to be rare based on population cohorts in the Genome Aggregation Database (gnomAD). This alteration is expected to result in loss of function by premature protein truncation or nonsense-mediated mRNA decay. As such, this alteration is interpreted as a disease-causing mutation.

Consortium of Investigators of Modifiers of BRCA1/2 (CIMBA), c/o University of Cambridge
Classification: Pathogenic for Breast-ovarian cancer, familial, susceptibility to, 2. Last evaluated: 2015-10-02. Review status: criteria provided, single submitter. Criteria: CIMBA Mutation Classification guidelines May 2016. Collection method: clinical testing. Allele origin: germline. Not counted in ClinVar's aggregate classification.

Literature cited by the submitters: PubMed 20104584 (cited by Labcorp Genetics (formerly Invitae), Labcorp and Color Diagnostics, LLC DBA Color Health); PubMed 29446198 (cited by Color Diagnostics, LLC DBA Color Health); PubMed 11102978 (cited by Ambry Genetics).

NM_000059.4(BRCA2):c.8330del (p.Lys2777fs)

Gene: BRCA2 (BRCA2 DNA repair associated; plus strand). Cytogenetic location: 13q13.1.
Variant type: Deletion.
Coding change: c.8330del on transcript NM_000059.4 (MANE Select); coding-DNA position 8330, one base deleted (A; older notation c.8330delA).
Protein change: p.Lys2777fs; shifts the reading frame from lysine 2777.
Molecular consequence: frameshift variant.
Genome position (GRCh38, 1-based): chr13:32,363,532, A deleted; the last of 3 consecutive A bases (chr13:32,363,530-32,363,532); deleting any one gives the same sequence. VCF-style (leftmost placement, unchanged base first): chr13-32363529-TA-T. GRCh37 (hg19) VCF-style: chr13-32937666-TA-T.
Other names: 8558delA; c.8330delA (NM_000059.3); short protein forms K2777fs.
Identifiers: ClinVar variation 267073 (VCV000267073.21), dbSNP rs886040762, ClinGen allele CA10589485.